The following is an entry in ClinVar:

NM_017849.4(TMEM127):c.380G>C (p.Arg127Pro)

Gene: TMEM127 (transmembrane protein 127; minus strand). Cytogenetic location: 2q11.2.
Variant type: single nucleotide variant.
Coding change: c.380G>C on transcript NM_017849.4 (MANE Select); coding-DNA position 380, G replaced by C.
Protein change: p.Arg127Pro; replaces arginine 127 with proline.
Molecular consequence: missense variant.
Genome position (GRCh38, 1-based): chr2:96,254,862, C>G on the plus strand (G>C on the coding strand, the complement: TMEM127 is on the minus strand). VCF-style: chr2-96254862-C-G. GRCh37 (hg19) VCF-style: chr2-96920600-C-G.
Other names: c.380G>C, p.Arg127Pro (NM_001193304.3); c.128G>C, p.Arg43Pro (NM_001407282.1, NM_001407283.1); short protein forms R43P, R127P.
Identifiers: ClinVar variation 2625506 (VCV002625506.5), dbSNP rs777665433, ClinGen allele CA347653304.
Genomic context (GRCh38, chr2:96,254,862, plus strand): 5'-CTCTCCCACTGTGAGCAGGCTCACGGCTTACCCGTTAGGATATGGGCGAAGGCATAGCGA[C>G]GAGTGATCTTCAGAGCAGGATGCTTCGGCCCAAAGACATCCAGAAGGAAAGCGGAGAGAC-3'
Protein context (NP_060319.1, residues 117-137): GPKHPALKIT[Arg127Pro]RYAFAHILTV

ClinVar aggregate classification (germline): Uncertain significance. Review status: criteria provided, multiple submitters, no conflicts (2 of 4 stars). 2 submissions from 2 submitters: Uncertain significance (2). Last evaluated 2023-07-12.

Conditions:
Hereditary cancer-predisposing syndrome. Also called: Neoplastic Syndromes, Hereditary; Tumor predisposition; Hereditary Cancer Syndrome; Hereditary neoplastic syndrome. Identifiers: Orphanet 140162, MedGen C0027672, MeSH D009386, MONDO:0015356.
Hereditary pheochromocytoma and paraganglioma. Also called: Hereditary paragangliomas and pheochromocytomas; Hereditary Paraganglioma-Pheochromocytoma Syndromes; Hereditary pheochromocytoma-paraganglioma. Identifiers: Orphanet 29072, MedGen C4274332, MONDO:0017366.

Submissions (2):

Ambry Genetics
Classification: Uncertain significance for Hereditary cancer-predisposing syndrome. Last evaluated: 2023-07-12. Review status: criteria provided, single submitter. Criteria: Ambry Variant Classification Scheme 2023. Collection method: clinical testing. Allele origin: germline.
Comment: The p.R127P variant (also known as c.380G>C), located in coding exon 2 of the TMEM127 gene, results from a G to C substitution at nucleotide position 380. The arginine at codon 127 is replaced by proline, an amino acid with dissimilar properties. This amino acid position is conserved. In addition, this alteration is predicted to be deleterious by in silico analysis. Since supporting evidence is limited at this time, the clinical significance of this alteration remains unclear.

Labcorp Genetics (formerly Invitae), Labcorp
Classification: Uncertain significance for Hereditary pheochromocytoma and paraganglioma. Last evaluated: 2023-02-14. Review status: criteria provided, single submitter. Criteria: Invitae Variant Classification Sherloc (09022015). Collection method: clinical testing. Allele origin: germline.
Comment: This sequence change replaces arginine, which is basic and polar, with proline, which is neutral and non-polar, at codon 127 of the TMEM127 protein (p.Arg127Pro). This variant is not present in population databases (gnomAD no frequency). This variant has not been reported in the literature in individuals affected with TMEM127-related conditions. Algorithms developed to predict the effect of missense changes on protein structure and function are either unavailable or do not agree on the potential impact of this missense change (SIFT: "Deleterious"; PolyPhen-2: "Benign"; Align-GVGD: "Class C65"). In summary, the available evidence is currently insufficient to determine the role of this variant in disease. Therefore, it has been classified as a Variant of Uncertain Significance.